The following is an entry in ClinVar:

ClinVar aggregate classification (germline): Conflicting classifications of pathogenicity. Review status: criteria provided, conflicting classifications (1 of 4 stars). 5 submissions from 5 submitters: Uncertain significance (4); Likely benign (1). Last evaluated 2025-06-09.

Conditions:
TH-deficient dopa-responsive dystonia. Also called: Tyrosine Hydroxylase-Deficient Dopa-Responsive Dystonia; Segawa syndrome, autosomal recessive; DYT-TH. Identifiers: Orphanet 101150, MedGen C2673535, MONDO:0011551, OMIM 605407.

Allele frequency attached by ClinVar (database versions not stated): TOPMed 0.00011.
gnomAD v4.1: 39 of 1,561,110 alleles (0.0025%); highest among the groups gnomAD compares: Middle Eastern, 0.067%; no homozygotes.

Submissions (5):

Women's Health and Genetics/Laboratory Corporation of America, LabCorp
Classification: Uncertain significance. Last evaluated: 2025-06-09. Review status: criteria provided, single submitter. Criteria: LabCorp Variant Classification Summary - May 2015. Collection method: clinical testing. Allele origin: germline.

Mayo Clinic Laboratories, Mayo Clinic
Classification: Likely benign. Last evaluated: 2024-10-15. Review status: criteria provided, single submitter. Criteria: ACMG Guidelines, 2015. Collection method: clinical testing. Allele origin: germline. Observed: 1 variant allele.
Comment: BP4, BP7

Labcorp Genetics (formerly Invitae), Labcorp
Classification: Uncertain significance for TH-deficient dopa-responsive dystonia. Last evaluated: 2022-07-11. Review status: criteria provided, single submitter. Criteria: Invitae Variant Classification Sherloc (09022015). Collection method: clinical testing. Allele origin: germline.
Comment: This sequence change falls in intron 11 of the TH gene. It does not directly change the encoded amino acid sequence of the TH protein. It affects a nucleotide within the consensus splice site. This variant is present in population databases (rs747560095, gnomAD 0.02%). This variant has not been reported in the literature in individuals affected with TH-related conditions. ClinVar contains an entry for this variant (Variation ID: 1426476). Variants that disrupt the consensus splice site are a relatively common cause of aberrant splicing (PMID: 17576681, 9536098). Algorithms developed to predict the effect of sequence changes on RNA splicing suggest that this variant is not likely to affect RNA splicing. In summary, the available evidence is currently insufficient to determine the role of this variant in disease. Therefore, it has been classified as a Variant of Uncertain Significance.

Blueprint Genetics
Classification: Uncertain significance. Last evaluated: 2021-12-02. Review status: criteria provided, single submitter. Criteria: ACMG Guidelines, 2015. Collection method: clinical testing. Allele origin: germline.

Breakthrough Genomics
Classification: Uncertain significance. Review status: criteria provided, single submitter. Criteria: ACMG Guidelines, 2015. Collection method: not provided. Allele origin: germline. Inheritance: Autosomal recessive inheritance. Affected: yes.

Literature cited by the submitters: PubMed 17576681 (cited by Labcorp Genetics (formerly Invitae), Labcorp); PubMed 9536098 (cited by Labcorp Genetics (formerly Invitae), Labcorp).

NM_000360.4(TH):c.1104+4G>T

Gene: TH (tyrosine hydroxylase; minus strand). Cytogenetic location: 11p15.5.
Variant type: single nucleotide variant.
Coding change: c.1104+4G>T on transcript NM_000360.4 (MANE Select); 4 bases into the intron after coding-DNA position 1104, G replaced by T.
Molecular consequence: intron variant.
Genome position (GRCh38, 1-based): chr11:2,165,998, C>A on the plus strand (G>T on the coding strand, the complement: TH is on the minus strand). VCF-style: chr11-2165998-C-A. GRCh37 (hg19) VCF-style: chr11-2187228-C-A.
Other names: p.?; c.1185+4G>T (NM_199293.3); c.1197+4G>T (NM_199292.3).
Identifiers: ClinVar variation 1426476 (VCV001426476.7), dbSNP rs747560095, ClinGen allele CA5818388.
Genomic context (GRCh38, chr11:2,165,998, plus strand): 5'-GGTGAGGCCTGGATTCAGACCCCCAAACCCACACCCCAGGCCCTGCAGGGAGGGGTCAAC[C>A]CACCGTGGACAGCTTCTCAATTTCCTCATCCGAGGCCCCCAGGGACGCCAGGCCAATGTC-3'